The following is an entry in ClinVar:

ClinVar aggregate classification (germline): Uncertain significance (1 of 4 stars; one submission).

Allele frequency attached by ClinVar (database versions not stated): gnomAD exomes below 0.00001.
gnomAD v4.1: 5 of 1,614,110 alleles (0.00031%); highest among the groups gnomAD compares: Non-Finnish European, 0.00034%; no homozygotes.

Submission:

Labcorp Genetics (formerly Invitae), Labcorp
Classification: Uncertain significance. Last evaluated: 2024-10-24. Review status: criteria provided, single submitter. Criteria: Invitae Variant Classification Sherloc (09022015). Collection method: clinical testing. Allele origin: germline.
Comment: This sequence change replaces histidine, which is basic and polar, with leucine, which is neutral and non-polar, at codon 19 of the KRT74 protein (p.His19Leu). This variant is not present in population databases (gnomAD no frequency). This variant has not been reported in the literature in individuals affected with KRT74-related conditions. An algorithm developed to predict the effect of missense changes on protein structure and function outputs the following: PolyPhen-2: "Benign". The leucine amino acid residue is found in multiple mammalian species, which suggests that this missense change does not adversely affect protein function. In summary, the available evidence is currently insufficient to determine the role of this variant in disease. Therefore, it has been classified as a Variant of Uncertain Significance.

NM_175053.4(KRT74):c.56A>T (p.His19Leu)

Gene: KRT74 (keratin 74; minus strand). Cytogenetic location: 12q13.13.
Variant type: single nucleotide variant.
Coding change: c.56A>T on transcript NM_175053.4 (MANE Select); coding-DNA position 56, A replaced by T.
Protein change: p.His19Leu; replaces histidine 19 with leucine.
Molecular consequence: missense variant.
Genome position (GRCh38, 1-based): chr12:52,573,722, T>A on the plus strand (A>T on the coding strand, the complement: KRT74 is on the minus strand). VCF-style: chr12-52573722-T-A. GRCh37 (hg19) VCF-style: chr12-52967506-T-A.
Other names: short protein forms H19L.
Identifiers: ClinVar variation 2869022 (VCV002869022.3), dbSNP rs2498474283, ClinGen allele CA384971305.